The following is an entry in ClinVar:

ClinVar aggregate classification (germline): Pathogenic/Likely pathogenic. Review status: criteria provided, multiple submitters, no conflicts (2 of 4 stars). 2 submissions from 2 submitters: Pathogenic (1); Likely pathogenic (1). Last evaluated 2024-09-19.

Conditions:
Cardiovascular phenotype. Identifiers: MedGen CN230736.
Dilated cardiomyopathy 1G (CMD1G). Identifiers: Orphanet 154, MedGen C1858763, MONDO:0011400, OMIM 604145.

Submissions (2):

Victorian Clinical Genetics Services, Murdoch Childrens Research Institute
Classification: Likely pathogenic for Dilated cardiomyopathy 1G. Last evaluated: 2024-09-19. Review status: criteria provided, single submitter. Criteria: ACMG Guidelines, 2015. Collection method: clinical testing. Allele origin: germline. Affected: yes.
Comment: Based on the classification scheme VCGS_Germline_v1.3.4, this variant is classified as Likely Pathogenic. Following criteria are met: 0102 - Loss of function is known mechanism of disease in this gene. In addition, dominant-negative is also a suggested mechanism. (PMID: 25589632). (I) 0108 - This gene is associated with both recessive and dominant disease (OMIM). (I) 0112 - The condition associated with this gene has incomplete penetrance. Variants in this gene that result in a premature termination codon (PTC) are known to have reduced penetrance in DCM (PMID: 25589632). (I) 0201 - Variant is predicted to cause nonsense-mediated decay (NMD) and loss of protein (premature termination codon is located at least 54 nucleotides upstream of the final exon-exon junction). (SP) 0251 - This variant is heterozygous. (I) 0301 - Variant is absent from gnomAD (both v2 and v3). (SP) 0600 - Variant is located in the annotated A-band domain, with an exon PSI score of 100% (cardiodb, PMID: 25589632). (I) 0702 - Other NMD-predicted variants comparable to the one identified in this case have strong previous evidence for pathogenicity (DECIPHER). (SP) 0803 - This variant has limited previous evidence of pathogenicity in an unrelated individual. This variant has been classified as pathogenic in ClinVar. (SP) 0905 - No published segregation evidence has been identified for this variant. (I) 1007 - No published functional evidence has been identified for this variant. (I) 1208 - Inheritance information for this variant is not currently available in this individual. (I) Legend: (SP) - Supporting pathogenic, (I) - Information, (SB) - Supporting benign

Ambry Genetics
Classification: Pathogenic for Cardiovascular phenotype. Last evaluated: 2021-02-10. Review status: criteria provided, single submitter. Criteria: Ambry Variant Classification Scheme 2023. Collection method: clinical testing. Allele origin: germline.
Comment: The c.51145_51154del10 pathogenic mutation, located in coding exon 153 of the TTN gene, results from a deletion of 10 nucleotides at nucleotide positions 51145 to 51154, causing a translational frameshift with a predicted alternate stop codon (p.Y17049Efs*3). This exon is located in the A-band region of the N2-B isoform of the titin protein and is constitutively expressed in TTN transcripts (percent spliced in or PSI 100%). This alteration is expected to result in loss of function by premature protein truncation or nonsense-mediated mRNA decay. While truncating variants in TTN are present in 1-3% of the general population, truncating variants in the A-band are the most common cause of dilated cardiomyopathy (DCM) (Herman DS et al. N. Engl. J. Med., 2012 Feb;366:619-28; Roberts AM et al. Sci Transl Med, 2015 Jan;7:270ra6). TTN truncating variants encoded in constitutive exons (PSI >90%) have been found to be significantly associated with DCM regardless of their position in titin (Schafer S et al. Nat. Genet., 2017 01;49:46-53). Based on the supporting evidence, this alteration is interpreted as a disease-causing mutation.

Literature cited by the submitters: PubMed 25589632 (cited by Victorian Clinical Genetics Services, Murdoch Childrens Research Institute).

NM_001267550.2(TTN):c.78340_78349del (p.Tyr26114fs)

Genes: TTN-AS1 (TTN antisense RNA 1; plus strand), TTN (titin; minus strand). Cytogenetic location: 2q31.2.
Variant type: Deletion.
Coding change: c.78340_78349del on transcript NM_001267550.2 (MANE Select); coding-DNA positions 78340 to 78349, 10 bases deleted (TATGATGGTG; older notation c.78340_78349delTATGATGGTG).
Protein change: p.Tyr26114fs; shifts the reading frame from tyrosine 26114.
Molecular consequence: frameshift variant.
Genome position (GRCh38, 1-based): chr2:178,567,783-178,567,792, CACCATCATA deleted on the plus strand (TATGATGGTG on the coding strand, the reverse complement: TTN is on the minus strand); deleting any 10 consecutive bases within chr2:178,567,783-178,567,795 gives the same sequence; the c. name uses the placement nearest the transcript's 3' end. VCF-style (leftmost placement, unchanged base first): chr2-178567782-CCACCATCATA-C. GRCh37 (hg19) VCF-style: chr2-179432509-CCACCATCATA-C.
Other names: c.73417_73426del, p.Tyr24473fs (NM_001256850.1); c.51145_51154del, p.Tyr17049fs (NM_003319.4); c.70636_70645del, p.Tyr23546fs (NM_133378.4); c.51520_51529del, p.Tyr17174fs (NM_133432.3); c.51721_51730del, p.Tyr17241fs (NM_133437.4); c.51145_51154del10 (NM_003319.4); c.78340_78349delTATGATGGTG (NM_001267550.1); short protein forms Y17174fs, Y26114fs, Y17241fs, Y23546fs, Y17049fs, Y24473fs.
Identifiers: ClinVar variation 1745427 (VCV001745427.3), dbSNP rs2468336617, ClinGen allele CA1139771280.